The following is an entry in ClinVar:

NM_001378418.1(TCF20):c.794A>G (p.Asn265Ser)

Gene: TCF20 (transcription factor 20; minus strand). Cytogenetic location: 22q13.2.
Variant type: single nucleotide variant.
Coding change: c.794A>G on transcript NM_001378418.1 (MANE Select); coding-DNA position 794, A replaced by G.
Protein change: p.Asn265Ser; replaces asparagine 265 with serine.
Molecular consequence: missense variant.
Genome position (GRCh38, 1-based): chr22:42,214,512, T>C on the plus strand (A>G on the coding strand, the complement: TCF20 is on the minus strand). VCF-style: chr22-42214512-T-C. GRCh37 (hg19) VCF-style: chr22-42610518-T-C.
Other names: c.794A>G, p.Asn265Ser (NM_005650.4, NM_181492.3); short protein forms N265S.
Identifiers: ClinVar variation 4821059 (VCV004821059.4).
Genomic context (GRCh38, chr22:42,214,512, plus strand): 5'-CCATAAGCCTGTGCATTAGAACCCACATTGTGTCCTTCATACTGAGATCCAGCATTCACA[T>C]TGTAACTGCCATCATAGCTCTGTCCAGACTGGCTAAAACGCTGTGGTGAAGGGAAGGAGG-3'
Protein context (NP_001365347.1, residues 255-275): QSGQSYDGSY[Asn265Ser]VNAGSQYEGH

ClinVar aggregate classification (germline): Likely benign (1 of 4 stars; one submission).

gnomAD v4.1: 52 of 1,614,140 alleles (0.0032%); highest among the groups gnomAD compares: Middle Eastern, 0.016%; no homozygotes.

Submission:

CeGaT Center for Human Genetics Tuebingen
Classification: Likely benign. Last evaluated: 2026-03-01. Review status: criteria provided, single submitter. Criteria: CeGaT Center For Human Genetics Tuebingen Variant Classification Criteria Version 2. Collection method: clinical testing. Allele origin: germline. Affected: yes. Observed: 1 variant allele.
Comment: TCF20: BP4